The following is an entry in ClinVar:

NM_000292.3(PHKA2):c.2594C>T (p.Ser865Phe)

Gene: PHKA2 (phosphorylase kinase regulatory subunit alpha 2; minus strand). Cytogenetic location: Xp22.13.
Variant type: single nucleotide variant.
Coding change: c.2594C>T on transcript NM_000292.3 (MANE Select); coding-DNA position 2594, C replaced by T.
Protein change: p.Ser865Phe; replaces serine 865 with phenylalanine.
Molecular consequence: missense variant.
Genome position (GRCh38, 1-based): chrX:18,907,021, G>A on the plus strand (C>T on the coding strand, the complement: PHKA2 is on the minus strand). VCF-style: chrX-18907021-G-A. GRCh37 (hg19) VCF-style: chrX-18925139-G-A.
Other names: c.2594C>T, p.Ser865Phe (NM_001440800.1, NM_001440801.1, NM_001440805.1); c.2495C>T, p.Ser832Phe (NM_001440802.1, NM_001440803.1, NM_001440804.1); short protein forms S832F, S865F.
Identifiers: ClinVar variation 5018425 (VCV005018425.1).
Genomic context (GRCh38, chrX:18,907,021, plus strand): 5'-CGCTGTTTTCCCCATGGCTCCCCCGCAAACCTGAGGTCCCCAAGGCTGAGGACTTACGCA[G>A]AGATGATCTTCTCCCGGGGCTCGGGCGGCAGGCCCACGGTGAGCTGCTTCTGGTGCGAAA-3'
Protein context (NP_000283.1, residues 855-875): LPPEPREKII[Ser865Phe]APLPPEELTK

ClinVar aggregate classification (germline): Uncertain significance (1 of 4 stars; one submission).

Submission:

GeneDx
Classification: Uncertain significance. Last evaluated: 2026-04-11. Review status: criteria provided, single submitter. Criteria: GeneDx Variant Classification Process June 2021. Collection method: clinical testing. Allele origin: germline.
Comment: Not observed at significant frequency in large population cohorts (gnomAD); In silico analysis supports that this missense variant has a deleterious effect on protein structure/function; Has not been previously published as pathogenic or benign to our knowledge